The following is an entry in ClinVar:

NM_007194.4(CHEK2):c.1067_1077del (p.Leu355_Ser356insTer)

Gene: CHEK2 (checkpoint kinase 2; minus strand). Cytogenetic location: 22q12.1.
Variant type: Deletion.
Coding change: c.1067_1077del on transcript NM_007194.4 (MANE Select); coding-DNA positions 1067 to 1077, 11 bases deleted (CATCTCAAGAA).
Protein change: p.Leu355_Ser356insTer.
Molecular consequence: nonsense. On other transcripts: intron variant (3).
Genome position (GRCh38, 1-based): chr22:28,696,919-28,696,929, TTCTTGAGATG deleted on the plus strand (CATCTCAAGAA on the coding strand, the reverse complement: CHEK2 is on the minus strand). VCF-style (leftmost placement, unchanged base first): chr22-28696918-CTTCTTGAGATG-C. GRCh37 (hg19) VCF-style: chr22-29092906-CTTCTTGAGATG-C.
Other names: c.1196_1206del, p.Leu398_Ser399insTer (NM_001005735.3); c.404_414del, p.Leu134_Ser135insTer (NM_001257387.3, NM_001437942.1); c.866_876del, p.Leu288_Ser289insTer (NM_001349956.3); c.1160_1170del, p.Leu386_Ser387insTer (NM_001438293.1); c.1009-1056_1009-1046del (NM_145862.3); c.1102-1056_1102-1046del (NM_001438295.1); c.1138-1056_1138-1046del (NM_001438294.1).
Identifiers: ClinVar variation 1070086 (VCV001070086.8), dbSNP rs2145816053, ClinGen allele CA2499226068.

ClinVar aggregate classification (germline): Pathogenic (1 of 4 stars; one submission).

Conditions:
Familial cancer of breast. Also called: hereditary breast carcinoma; BREAST CANCER, FAMILIAL; Hereditary breast cancer. Identifiers: Orphanet 227535, MedGen C0346153, MONDO:0016419, OMIM 114480. Disease mechanism: loss of function.

Submission:

Labcorp Genetics (formerly Invitae), Labcorp
Classification: Pathogenic for Familial cancer of breast. Last evaluated: 2020-04-12. Review status: criteria provided, single submitter. Criteria: Invitae Variant Classification Sherloc (09022015). Collection method: clinical testing. Allele origin: germline.
Comment: For these reasons, this variant has been classified as Pathogenic. Loss-of-function variants in CHEK2 are known to be pathogenic (PMID: 21876083, 24713400). This variant has not been reported in the literature in individuals with CHEK2-related conditions. This variant is not present in population databases (ExAC no frequency). This sequence change creates a premature translational stop signal (p.Ser356*) in the CHEK2 gene. It is expected to result in an absent or disrupted protein product.

Literature cited by the submitters: PubMed 21876083; PubMed 24713400.